The following is an entry in ClinVar:

NM_138694.4(PKHD1):c.8428del (p.Glu2810fs)

Gene: PKHD1 (PKHD1 ciliary IPT domain containing fibrocystin/polyductin; minus strand). Cytogenetic location: 6p12.3.
Variant type: Deletion.
Coding change: c.8428del on transcript NM_138694.4 (MANE Select); coding-DNA position 8428, one base deleted (G; older notation c.8428delG).
Protein change: p.Glu2810fs; shifts the reading frame from glutamic acid 2810.
Molecular consequence: frameshift variant.
Genome position (GRCh38, 1-based): chr6:51,791,248, C deleted on the plus strand (G on the coding strand, the reverse complement: PKHD1 is on the minus strand); the first of 4 consecutive C bases (chr6:51,791,248-51,791,251); deleting any one gives the same sequence. VCF-style (leftmost placement, unchanged base first): chr6-51791247-TC-T. GRCh37 (hg19) VCF-style: chr6-51656045-TC-T.
Other names: c.8428del, p.Glu2810fs (NM_170724.3); short protein forms E2810fs.
Identifiers: ClinVar variation 4816768 (VCV004816768.1).

ClinVar aggregate classification (germline): Likely pathogenic (1 of 4 stars; one submission).

Conditions:
Autosomal recessive polycystic kidney disease (ARPKD). Also called: AR polycystic kidney disease. Identifiers: Orphanet 731, Orphanet 8378, MedGen C0085548, MeSH D017044, MONDO:0009889.

Submission:

Natera, Inc.
Classification: Likely pathogenic for Autosomal recessive polycystic kidney disease. Last evaluated: 2026-01-15. Review status: criteria provided, single submitter. Criteria: Natera Variant Classification Schema (03/2026). Collection method: clinical testing. Allele origin: germline.
Comment: The c.8428delG variant in PKHD1 is a frameshift variant predicted to shift the reading frame beginning at codon 2810 and leads to a stop codon 2 codons downstream. This variant is expected to result in nonsense mediated decay, truncation, or a dysfunctional protein product. This variant is rare in the general population with a frequency below the threshold expected for the associated phenotype(s). Given the available evidence, this variant is classified as Likely Pathogenic.